The following is an entry in ClinVar:

ClinVar aggregate classification (germline): Benign/Likely benign. Review status: criteria provided, multiple submitters, no conflicts (2 of 4 stars). 6 submissions from 6 submitters: Benign (3); Likely benign (3). Last evaluated 2026-01-28.

Conditions:
Primary hyperoxaluria, type I (HP1). Also called: Primary hyperoxaluria type 1; GLYCOLIC ACIDURIA; OXALOSIS I; HEPATIC AGT DEFICIENCY. Identifiers: Orphanet 416, Orphanet 93598, MedGen C0268164, MONDO:0009823, OMIM 259900. Disease mechanism: loss of function.

Allele frequency attached by ClinVar (database versions not stated): ESP Exome Variant Server 0.00023; gnomAD 0.00234 and 0.00248; 1000 Genomes Project 0.00319; 1000 Genomes Project 30x 0.00406; TOPMed 0.00549; ExAC 0.00734; gnomAD exomes 0.00953.
gnomAD v4.1: 3,263 of 1,614,066 alleles (0.2%); highest among the groups gnomAD compares: Admixed American, 5%; 122 homozygotes.

Submissions (6):

Labcorp Genetics (formerly Invitae), Labcorp
Classification: Benign. Last evaluated: 2026-01-28. Review status: criteria provided, single submitter. Criteria: Invitae Variant Classification Sherloc (09022015). Collection method: clinical testing. Allele origin: germline.

Fulgent Genetics
Classification: Likely benign for Primary hyperoxaluria, type I. Last evaluated: 2021-12-22. Review status: criteria provided, single submitter. Criteria: ACMG Guidelines, 2015. Collection method: clinical testing. Allele origin: unknown.

GeneDx
Classification: Benign. Last evaluated: 2018-10-16. Review status: criteria provided, single submitter. Criteria: GeneDx Variant Classification Process June 2021. Collection method: clinical testing. Allele origin: germline. Affected: yes.

Illumina Laboratory Services, Illumina
Classification: Likely benign for Primary hyperoxaluria, type I. Last evaluated: 2017-04-27. Review status: criteria provided, single submitter. Criteria: ICSL Variant Classification Criteria 13 December 2019. Collection method: clinical testing. Allele origin: germline.
Comment: This variant was observed as part of a predisposition screen in an ostensibly healthy population. A literature search was performed for the gene, cDNA change, and amino acid change (where applicable). No publications were found based on this search. Allele frequency data from public databases allowed determination this variant is unlikely to cause disease. Therefore, this variant is classified as likely benign.

Breakthrough Genomics
Classification: Likely benign. Review status: criteria provided, single submitter. Criteria: ACMG Guidelines, 2015. Collection method: not provided. Allele origin: germline. Inheritance: Autosomal recessive inheritance. Affected: yes.

PreventionGenetics, part of Exact Sciences
Classification: Benign. Review status: criteria provided, single submitter. Criteria: ACMG Guidelines, 2015. Collection method: clinical testing. Allele origin: germline.

NM_000030.3(AGXT):c.732C>A (p.Ile244=)

Gene: AGXT (alanine--glyoxylate aminotransferase; plus strand). Cytogenetic location: 2q37.3.
Variant type: single nucleotide variant.
Coding change: c.732C>A on transcript NM_000030.3 (MANE Select); coding-DNA position 732, C replaced by A.
Protein change: p.Ile244=; no amino-acid change (isoleucine 244 retained).
Molecular consequence: synonymous variant.
Genome position (GRCh38, 1-based): chr2:240,875,160, C>A. VCF-style: chr2-240875160-C-A. GRCh37 (hg19) VCF-style: chr2-241814577-C-A.
Identifiers: ClinVar variation 254727 (VCV000254727.19), dbSNP rs147106773, ClinGen allele CA2209222.